The following is an entry in ClinVar:

NM_020884.7(MYH7B):c.5056T>A (p.Ser1686Thr)

Gene: MYH7B (myosin heavy chain 7B; plus strand). Cytogenetic location: 20q11.22.
Variant type: single nucleotide variant.
Coding change: c.5056T>A on transcript NM_020884.7 (MANE Select); coding-DNA position 5056, T replaced by A.
Protein change: p.Ser1686Thr; replaces serine 1686 with threonine.
Molecular consequence: missense variant.
Genome position (GRCh38, 1-based): chr20:35,000,567, T>A. VCF-style: chr20-35000567-T-A. GRCh37 (hg19) VCF-style: chr20-33588370-T-A.
Other names: short protein forms S1686T.
Identifiers: ClinVar variation 778620 (VCV000778620.13), dbSNP rs61746252, ClinGen allele CA9828411.

ClinVar aggregate classification (germline): Benign. Review status: criteria provided, multiple submitters, no conflicts (2 of 4 stars). 3 submissions from 3 submitters: Benign (2). 1 of the submissions does not count toward it. Last evaluated 2026-01-19.

Conditions:
MYH7B-related disorder. Also called: MYH7B-related condition.

Allele frequency attached by ClinVar (database versions not stated): gnomAD exomes 0.00125 and 0.00331; ExAC 0.00497; ESP Exome Variant Server 0.00883; gnomAD 0.01261 and 0.01364; 1000 Genomes Project 0.01318; 1000 Genomes Project 30x 0.01359; TOPMed 0.01456.
gnomAD v4.1: 3,770 of 1,572,312 alleles (0.24%); highest among the groups gnomAD compares: African/African-American, 4.5%; 76 homozygotes.

Submissions (3):

Labcorp Genetics (formerly Invitae), Labcorp
Classification: Benign. Last evaluated: 2026-01-19. Review status: criteria provided, single submitter. Criteria: Invitae Variant Classification Sherloc (09022015). Collection method: clinical testing. Allele origin: germline.

Breakthrough Genomics
Classification: Benign. Review status: criteria provided, single submitter. Criteria: ACMG Guidelines, 2015. Collection method: not provided. Allele origin: germline. Inheritance: Unknown mechanism. Affected: yes.

PreventionGenetics, part of Exact Sciences
Classification: Benign for MYH7B-related condition. Last evaluated: 2020-01-02. Review status: no assertion criteria provided. Collection method: clinical testing. Allele origin: germline. Not counted in ClinVar's aggregate classification.
Comment: This variant is classified as benign based on ACMG/AMP sequence variant interpretation guidelines (Richards et al. 2015 PMID: 25741868, with internal and published modifications).